The following is an entry in ClinVar:

ClinVar aggregate classification (germline): Uncertain significance (1 of 4 stars; one submission).

Conditions:
Hereditary cancer-predisposing syndrome. Also called: Neoplastic Syndromes, Hereditary; Tumor predisposition; Hereditary Cancer Syndrome; Hereditary neoplastic syndrome. Identifiers: Orphanet 140162, MedGen C0027672, MeSH D009386, MONDO:0015356.

Allele frequency attached by ClinVar (database versions not stated): gnomAD 0.00001.
gnomAD v4.1: 12 of 1,613,488 alleles (0.00074%); highest among the groups gnomAD compares: Non-Finnish European, 0.001%; no homozygotes.

Submission:

Ambry Genetics
Classification: Uncertain significance for Hereditary cancer-predisposing syndrome. Last evaluated: 2021-11-14. Review status: criteria provided, single submitter. Criteria: Ambry Variant Classification Scheme 2023. Collection method: clinical testing. Allele origin: germline.
Comment: The p.E1203K variant (also known as c.3607G>A), located in coding exon 19 of the BRIP1 gene, results from a G to A substitution at nucleotide position 3607. The glutamic acid at codon 1203 is replaced by lysine, an amino acid with similar properties. This amino acid position is conserved. In addition, this alteration is predicted to be tolerated by in silico analysis. Since supporting evidence is limited at this time, the clinical significance of this alteration remains unclear.

NM_032043.3(BRIP1):c.3607G>A (p.Glu1203Lys)

Gene: BRIP1 (BRCA1 interacting DNA helicase 1; minus strand). Cytogenetic location: 17q23.2.
Variant type: single nucleotide variant.
Coding change: c.3607G>A on transcript NM_032043.3 (MANE Select); coding-DNA position 3607, G replaced by A.
Protein change: p.Glu1203Lys; replaces glutamic acid 1203 with lysine.
Molecular consequence: missense variant.
Genome position (GRCh38, 1-based): chr17:61,683,439, C>T on the plus strand (G>A on the coding strand, the complement: BRIP1 is on the minus strand). VCF-style: chr17-61683439-C-T. GRCh37 (hg19) VCF-style: chr17-59760800-C-T.
Other names: short protein forms E1203K.
Identifiers: ClinVar variation 1733170 (VCV001733170.2), dbSNP rs1285317687, ClinGen allele CA400478065.